The following is an entry in ClinVar:

ClinVar aggregate classification (germline): Benign. Review status: reviewed by expert panel (3 of 4 stars). 3 submissions from 3 submitters: Benign (1). 2 of the submissions do not count toward it. Last evaluated 2025-09-29.

Conditions:
AIPL1-related retinopathy. Also called: AIPL1 retinopathy. Identifiers: MedGen CN305590, MONDO:0100438.

Allele frequency attached by ClinVar (database versions not stated): 1000 Genomes Project 30x 0.35306; TOPMed 0.35552; 1000 Genomes Project 0.35663; ESP Exome Variant Server 0.36337.
gnomAD v4.1: 585,081 of 1,612,774 alleles (36%); highest among the groups gnomAD compares: East Asian, 48%; 107,303 homozygotes.

Submissions (3):

ClinGen Leber Congenital Amaurosis/early Onset Retinal Dystrophy Variant Curation Expert Panel, ClinGen
Classification: Benign for AIPL1-related retinopathy. Last evaluated: 2025-09-29. Review status: reviewed by expert panel. Criteria: ClinGen LCAeoRD ACMG Specifications AIPL1 V1.0.0. Collection method: curation. Allele origin: germline. Inheritance: Autosomal recessive inheritance.
Comment: NM_014336.5(AIPL1):c.642+48G>A is a variant in intron 4 of 5 where the G at position c.642+48 is replaced with an A. This variant is present in gnomAD v.4.1.0 at a GrpMax allele frequency of 0.4704, with 21338 alleles / 44850 total alleles in the East Asian population, which is higher than the ClinGen LCA/eoRD VCEP BA1 threshold of >0.0057 (BA1). Additionally, this variant has been found in the homozygous state in 107,303 adult individuals in gnomAD which exceeds the LCA/eoRD VCEP threshold of ≥6 (gnomAD version 4.1.0; BS2). As an intronic variant, NM_014336.5(AIPL1):c.642+48G>A, does not have a REVEL score. The splicing impact predictor SpliceAI gives a delta score of 0.01 for acceptor loss, which is below the ClinGen LCA/eoRD VCEP recommended threshold of <0.1 and does not predict an impact on splicing (BP4, BP7). In summary, this variant meets the criteria to be classified as Benign for AIPL1-related retinopathy based on the ACMG/AMP criteria applied, as specified by the ClinGen LCA/eoRD VCEP: BA1, BS2, BP4 and BP7. (VCEP specifications version 1.0.0; date of approval 09/24/2025).

GeneDx
Classification: Benign. Last evaluated: 2015-03-03. Review status: criteria provided, single submitter. Criteria: GeneDx Variant Classification Process June 2021. Collection method: clinical testing. Allele origin: germline. Affected: yes. Not counted in ClinVar's aggregate classification.

Breakthrough Genomics
Classification: Benign. Review status: criteria provided, single submitter. Criteria: ACMG Guidelines, 2015. Collection method: not provided. Allele origin: germline. Inheritance: Autosomal recessive inheritance. Affected: yes. Not counted in ClinVar's aggregate classification.

NM_014336.5(AIPL1):c.642+48G>A

Gene: AIPL1 (AIP like 1 HSP90 co-chaperone; minus strand). Cytogenetic location: 17p13.2.
Variant type: single nucleotide variant.
Coding change: c.642+48G>A on transcript NM_014336.5 (MANE Select); 48 bases into the intron after coding-DNA position 642, G replaced by A.
Molecular consequence: intron variant.
Genome position (GRCh38, 1-based): chr17:6,426,833, C>T on the plus strand (G>A on the coding strand, the complement: AIPL1 is on the minus strand). VCF-style: chr17-6426833-C-T. GRCh37 (hg19) VCF-style: chr17-6330153-C-T.
Other names: c.462+48G>A (NM_001033055.3); c.576+48G>A (NM_001285400.3); c.606+48G>A (NM_001285399.3); c.453+48G>A (NM_001033054.3); c.642+48G>A (NM_001285401.3); c.525+48G>A (NM_001285402.2); c.618+48G>A (NM_001285403.4).
Identifiers: ClinVar variation 1239041 (VCV001239041.4), dbSNP rs925616, ClinGen allele CA8328437.